The following is an entry in ClinVar:

ClinVar aggregate classification (germline): Uncertain significance. Review status: criteria provided, single submitter (1 of 4 stars). 2 submissions from 2 submitters: Uncertain significance (1). 1 of the submissions does not count toward it. Last evaluated 2025-01-29.

Conditions:
CPE-related disorder. Also called: CPE-related condition.
BDV syndrome. Also called: BLAKEMORE-DURMAZ-VASILEIOU SYNDROME; INTELLECTUAL DEVELOPMENTAL DISORDER AND HYPOGONADOTROPIC HYPOGONADISM; CPE-related Prader-Willi-like syndrome. Identifiers: Orphanet 633028, MedGen C5543403, MONDO:0859150, OMIM 619326.

Submissions (2):

PreventionGenetics, part of Exact Sciences
Classification: Uncertain significance for CPE-related condition. Last evaluated: 2025-01-29. Review status: criteria provided, single submitter. Criteria: ACMG Guidelines, 2015. Collection method: clinical testing. Allele origin: germline.
Comment: The CPE c.76_98del23 variant is predicted to result in a frameshift and premature protein termination (p.Glu26Argfs*68). This variant is reported in 0.019% of alleles in individuals of African descent in gnomAD. Although we suspect that this variant may be pathogenic, at this time, the clinical significance is uncertain due to the absence of conclusive functional and genetic evidence.

OMIM
Classification: Pathogenic for BDV SYNDROME. Last evaluated: 2021-11-01. Review status: no assertion criteria provided. Collection method: literature only. Allele origin: germline. Not counted in ClinVar's aggregate classification.

Literature cited by the submitters: Alsters, S. I. M., Goldstone, A. P., Buxton, J. L., Zekavati, A., Sosinsky, A., Yiorkas, A. M., Holder, S., Klaber, R. E., Bridges, N., van Haelst, M. M., le Roux, C. W., Walley, A. J., Walters, R. G., Meuller, M., Blakemore, A. I. F. Truncating homozygous mutation of carboxypeptidase E (CPE) in a morbidly obese female with type 2 diabetes mellitus, intellectual disability and hypogonadotrophic hypogonadism. PLoS One 10: e0131417, 2015. Note: Electronic Article. (cited by OMIM).

NM_001873.4(CPE):c.76_98del (p.Glu26fs)

Genes: CPE (carboxypeptidase E; plus strand), LOC129993339 (ATAC-STARR-seq lymphoblastoid silent region 15785; plus strand). Cytogenetic location: 4q32.3.
Variant type: Deletion.
Coding change: c.76_98del on transcript NM_001873.4 (MANE Select); coding-DNA positions 76 to 98, 23 bases deleted (GAAGCCCAGGAGCCCGGGGCGCC).
Protein change: p.Glu26fs; shifts the reading frame from glutamic acid 26.
Molecular consequence: frameshift variant.
Genome position (GRCh38, 1-based): chr4:165,379,297-165,379,319, GAAGCCCAGGAGCCCGGGGCGCC deleted; deleting any 23 consecutive bases within chr4:165,379,290-165,379,319 gives the same sequence; the c. name uses the placement nearest the transcript's 3' end. VCF-style (leftmost placement, unchanged base first): chr4-165379289-TGGGCGCCGAAGCCCAGGAGCCCG-T. GRCh37 (hg19) VCF-style: chr4-166300441-TGGGCGCCGAAGCCCAGGAGCCCG-T.
Other names: c.76_98del23 (NM_001873.3); short protein forms E26fs.
Identifiers: ClinVar variation 689401 (VCV000689401.5), dbSNP rs768504422, ClinGen allele CA3130073.